The following is an entry in ClinVar:

NM_001369.3(DNAH5):c.4524T>G (p.Asp1508Glu)

Genes: DNAH5 (dynein axonemal heavy chain 5; minus strand), DNAH5-AS1 (DNAH5 antisense RNA 1; plus strand). Cytogenetic location: 5p15.2.
Variant type: single nucleotide variant.
Coding change: c.4524T>G on transcript NM_001369.3 (MANE Select); coding-DNA position 4524, T replaced by G.
Protein change: p.Asp1508Glu; replaces aspartic acid 1508 with glutamic acid.
Molecular consequence: missense variant.
Genome position (GRCh38, 1-based): chr5:13,864,469, A>C on the plus strand (T>G on the coding strand, the complement: DNAH5 is on the minus strand). VCF-style: chr5-13864469-A-C. GRCh37 (hg19) VCF-style: chr5-13864578-A-C.
Other names: short protein forms D1508E.
Identifiers: ClinVar variation 574854 (VCV000574854.7), dbSNP rs1268555395, ClinGen allele CA359223934.
Genomic context (GRCh38, chr5:13,864,469, plus strand): 5'-TTTATATTTCAGAAGAGGTGCCTCCATGATATTTCTTAACTTAAAGCTTTCATTCCCCAC[A>C]TCCAGACTGTGCCCGGTGAGGGTGGTTATCCTTTCCCAGTGCCGCTCCATCATGGCTTTA-3'
Protein context (NP_001360.1, residues 1498-1518): RITTLTGHSL[Asp1508Glu]VGNESFKLRN

ClinVar aggregate classification (germline): Uncertain significance. Review status: criteria provided, single submitter (1 of 4 stars). 2 submissions from 2 submitters: Uncertain significance (1). 1 of the submissions does not count toward it. Last evaluated 2022-09-01.

Conditions:
Primary ciliary dyskinesia. Also called: Ciliary dyskinesia. Identifiers: Orphanet 244, MedGen C0008780, MONDO:0016575, HP:0012265.

Allele frequency attached by ClinVar (database versions not stated): TOPMed below 0.00001; gnomAD exomes 0.00001.
gnomAD v4.1: 3 of 1,614,062 alleles (0.00019%); highest among the groups gnomAD compares: Admixed American, 0.0033%; no homozygotes.

Submissions (2):

Labcorp Genetics (formerly Invitae), Labcorp
Classification: Uncertain significance for Primary ciliary dyskinesia. Last evaluated: 2022-09-01. Review status: criteria provided, single submitter. Criteria: Invitae Variant Classification Sherloc (09022015). Collection method: clinical testing. Allele origin: germline.
Comment: This sequence change replaces aspartic acid, which is acidic and polar, with glutamic acid, which is acidic and polar, at codon 1508 of the DNAH5 protein (p.Asp1508Glu). This variant is present in population databases (no rsID available, gnomAD 0.006%). This missense change has been observed in individual(s) with clinical features of DNAH5-related conditions (Invitae). ClinVar contains an entry for this variant (Variation ID: 574854). Advanced modeling of protein sequence and biophysical properties (such as structural, functional, and spatial information, amino acid conservation, physicochemical variation, residue mobility, and thermodynamic stability) performed at Invitae indicates that this missense variant is not expected to disrupt DNAH5 protein function. Algorithms developed to predict the effect of sequence changes on RNA splicing suggest that this variant may create or strengthen a splice site. In summary, the available evidence is currently insufficient to determine the role of this variant in disease. Therefore, it has been classified as a Variant of Uncertain Significance.

Natera, Inc.
Classification: Uncertain significance for Primary ciliary dyskinesia. Last evaluated: 2020-11-16. Review status: no assertion criteria provided. Collection method: clinical testing. Allele origin: germline. Not counted in ClinVar's aggregate classification.